The following is an entry in ClinVar:

ClinVar aggregate classification (germline): Uncertain significance (1 of 4 stars; one submission).

Conditions:
Cardiovascular phenotype. Identifiers: MedGen CN230736.

Submission:

Ambry Genetics
Classification: Uncertain significance for Cardiovascular phenotype. Last evaluated: 2021-11-14. Review status: criteria provided, single submitter. Criteria: Ambry Variant Classification Scheme 2023. Collection method: clinical testing. Allele origin: germline.
Comment: The p.G37D variant (also known as c.110G>A), located in coding exon 1 of the ALPK3 gene, results from a G to A substitution at nucleotide position 110. The glycine at codon 37 is replaced by aspartic acid, an amino acid with similar properties. This amino acid position is conserved. In addition, this alteration is predicted to be tolerated by in silico analysis. Since supporting evidence is limited at this time, the clinical significance of this alteration remains unclear.

NM_020778.4(ALPK3):c.110G>A (p.Gly37Asp)

Gene: ALPK3 (alpha kinase 3; plus strand). Cytogenetic location: 15q25.3.
Variant type: single nucleotide variant.
Coding change: c.110G>A on transcript NM_020778.4; coding-DNA position 110, G replaced by A.
Protein change: p.Gly37Asp; replaces glycine 37 with aspartic acid.
Genome position (GRCh38, 1-based): chr15:84,816,956, G>A. VCF-style: chr15-84816956-G-A. GRCh37 (hg19) VCF-style: chr15-85360187-G-A.
Other names: short protein forms G37D.
Identifiers: ClinVar variation 1794785 (VCV001794785.2), dbSNP rs2505688005, ClinGen allele CA393368160.